The following is an entry in ClinVar:

NM_000551.4(VHL):c.378T>G (p.Asp126Glu)

Genes: VHL (von Hippel-Lindau tumor suppressor; plus strand), LOC107303340 (3p25 von Hippel-Lindau tumor suppressor, E3 ubiquitin protein ligase Alu-mediated recombination region; plus strand). Cytogenetic location: 3p25.3.
Variant type: single nucleotide variant.
Coding change: c.378T>G on transcript NM_000551.4 (MANE Select); coding-DNA position 378, T replaced by G.
Protein change: p.Asp126Glu; replaces aspartic acid 126 with glutamic acid.
Molecular consequence: missense variant. On other transcripts: intron variant (2).
Genome position (GRCh38, 1-based): chr3:10,146,551, T>G. VCF-style: chr3-10146551-T-G. GRCh37 (hg19) VCF-style: chr3-10188235-T-G.
Other names: c.*18-3236T>G (NM_001354723.2); c.341-3236T>G (NM_198156.3); short protein forms D126E.
Identifiers: ClinVar variation 824213 (VCV000824213.5), dbSNP rs764053615, ClinGen allele CA351753847.

ClinVar aggregate classification (germline): Uncertain significance (1 of 4 stars; one submission).

Conditions:
Hereditary cancer-predisposing syndrome. Also called: Tumor predisposition; Neoplastic Syndromes, Hereditary; Hereditary neoplastic syndrome; Hereditary Cancer Syndrome. Identifiers: Orphanet 140162, MedGen C0027672, MeSH D009386, MONDO:0015356.

Submission:

Ambry Genetics
Classification: Uncertain significance for Hereditary cancer-predisposing syndrome. Last evaluated: 2026-05-05. Review status: criteria provided, single submitter. Criteria: Ambry Variant Classification Scheme 2023. Collection method: clinical testing. Allele origin: germline.
Comment: The p.D126E variant (also known as c.378T>G), located in coding exon 2 of the VHL gene, results from a T to G substitution at nucleotide position 378. The aspartic acid at codon 126 is replaced by glutamic acid, an amino acid with highly similar properties. This variant was determined to be functionally neutral in one saturation genome editing assay (Buckley M et al. Nat Genet, 2024 Jul;56:1446-1455). This amino acid position is highly conserved in available vertebrate species. In addition, the in silico prediction for this alteration is inconclusive. Based on the available evidence, the clinical significance of this variant remains unclear.

Literature cited by the submitters: PubMed 38969834.